The following is an entry in ClinVar:

ClinVar aggregate classification (germline): Uncertain significance (1 of 4 stars; one submission).

Conditions:
Hereditary nonpolyposis colorectal neoplasms. Identifiers: MedGen C0009405, MeSH D003123.

Submission:

Labcorp Genetics (formerly Invitae), Labcorp
Classification: Uncertain significance for Hereditary nonpolyposis colorectal neoplasms. Last evaluated: 2023-11-06. Review status: criteria provided, single submitter. Criteria: Invitae Variant Classification Sherloc (09022015). Collection method: clinical testing. Allele origin: germline.
Comment: This sequence change affects codon 815 of the PMS2 mRNA. It is a 'silent' change, meaning that it does not change the encoded amino acid sequence of the PMS2 protein. This variant also falls at the last nucleotide of exon 14, which is part of the consensus splice site for this exon. The frequency data for this variant in the population databases (gnomAD) is considered unreliable due to the presence of homologous sequence, such as pseudogenes or paralogs, in the genome. This variant has not been reported in the literature in individuals affected with PMS2-related conditions. ClinVar contains an entry for this variant (Variation ID: 2026494). Variants that disrupt the consensus splice site are a relatively common cause of aberrant splicing (PMID: 17576681, 9536098). Algorithms developed to predict the effect of sequence changes on RNA splicing suggest that this variant is not likely to affect RNA splicing. In summary, the available evidence is currently insufficient to determine the role of this variant in disease. Therefore, it has been classified as a Variant of Uncertain Significance.

Literature cited by the submitters: PubMed 17576681; PubMed 9536098.

NM_000535.7(PMS2):c.2445G>C (p.Ser815=)

Gene: PMS2 (PMS1 homolog 2, mismatch repair system component; minus strand). Cytogenetic location: 7p22.1.
Variant type: single nucleotide variant.
Coding change: c.2445G>C on transcript NM_000535.7 (MANE Select); coding-DNA position 2445, G replaced by C.
Protein change: p.Ser815=; no amino-acid change (serine 815 retained).
Molecular consequence: synonymous variant. On other transcripts: non-coding transcript variant (1).
Genome position (GRCh38, 1-based): chr7:5,977,588, C>G on the plus strand (G>C on the coding strand, the complement: PMS2 is on the minus strand). VCF-style: chr7-5977588-C-G. GRCh37 (hg19) VCF-style: chr7-6017219-C-G.
Other names: c.2040G>C, p.Ser680= (NM_001018040.1, NM_001322003.2, NM_001322004.2 and 12 more transcripts); c.2289G>C, p.Ser763= (NM_001322006.2); c.2127G>C, p.Ser709= (NM_001322007.2, NM_001322008.2, NM_001406883.1); c.2073G>C, p.Ser691= (NM_001322009.2, NM_001406887.1, NM_001406888.1); c.1884G>C, p.Ser628= (NM_001322010.2, NM_001406906.1, NM_001406907.1); c.1512G>C, p.Ser504= (NM_001322011.2, NM_001322012.2); c.1872G>C, p.Ser624= (NM_001322013.2, NM_001406908.1, NM_001406909.1); c.2478G>C, p.Ser826= (NM_001322014.2); and 20 more.
Identifiers: ClinVar variation 2026494 (VCV002026494.4), dbSNP rs753199796, ClinGen allele CA453642289.
Genomic context (GRCh38, chr7:5,977,588, plus strand): 5'-AGACCTTCCTCGACTGCAAGCTTGAGCAGCTGAGCTGACAGCCAGGCTTTCTTTACTTAC[C>G]GACTTCCGGCAGGCTCTGGAGGCAAACATCTGCTTGACTCGGGAAGGCCGGCACATGACC-3'
Protein context (NP_000526.2, residues 805-825): QMFASRACRK[Ser815=]VMIGTALNTS